The following is an entry in ClinVar:

NM_000465.4(BARD1):c.1137A>T (p.Lys379Asn)

Gene: BARD1 (BRCA1 associated RING domain 1; minus strand). Cytogenetic location: 2q35.
Variant type: single nucleotide variant.
Coding change: c.1137A>T on transcript NM_000465.4 (MANE Select); coding-DNA position 1137, A replaced by T.
Protein change: p.Lys379Asn; replaces lysine 379 with asparagine.
Molecular consequence: missense variant. On other transcripts: non-coding transcript variant (2), intron variant (3).
Genome position (GRCh38, 1-based): chr2:214,780,737, T>A on the plus strand (A>T on the coding strand, the complement: BARD1 is on the minus strand). VCF-style: chr2-214780737-T-A. GRCh37 (hg19) VCF-style: chr2-215645461-T-A.
Other names: c.1080A>T, p.Lys360Asn (NM_001282543.2); c.159-28182A>T (NM_001282548.2); c.215+16324A>T (NM_001282545.2); c.364+11560A>T (NM_001282549.2); short protein forms K360N, K379N.
Identifiers: ClinVar variation 2200108 (VCV002200108.4), dbSNP rs1060501306, ClinGen allele CA350453988.

ClinVar aggregate classification (germline): Uncertain significance (1 of 4 stars; one submission).

Conditions:
Familial cancer of breast. Also called: hereditary breast carcinoma; Hereditary breast cancer; BREAST CANCER, FAMILIAL. Identifiers: Orphanet 227535, MedGen C0346153, MONDO:0016419, OMIM 114480. Disease mechanism: loss of function.

Submission:

Labcorp Genetics (formerly Invitae), Labcorp
Classification: Uncertain significance for Familial cancer of breast. Last evaluated: 2024-05-27. Review status: criteria provided, single submitter. Criteria: Invitae Variant Classification Sherloc (09022015). Collection method: clinical testing. Allele origin: germline.
Comment: This sequence change replaces lysine, which is basic and polar, with asparagine, which is neutral and polar, at codon 379 of the BARD1 protein (p.Lys379Asn). This variant is not present in population databases (gnomAD no frequency). This variant has not been reported in the literature in individuals affected with BARD1-related conditions. ClinVar contains an entry for this variant (Variation ID: 2200108). An algorithm developed to predict the effect of missense changes on protein structure and function (PolyPhen-2) suggests that this variant is likely to be tolerated. In summary, the available evidence is currently insufficient to determine the role of this variant in disease. Therefore, it has been classified as a Variant of Uncertain Significance.